The following is an entry in ClinVar:

ClinVar aggregate classification (germline): Uncertain significance. Review status: criteria provided, multiple submitters, no conflicts (2 of 4 stars). 2 submissions from 2 submitters: Uncertain significance (2). Last evaluated 2026-07-30.

Conditions:
TTN-related disorder. Also called: TTN-related condition; TTN-related disease; TTN-related disorders.

Allele frequency attached by ClinVar (database versions not stated): gnomAD 0.00001; gnomAD exomes 0.00002; TOPMed 0.00003; ExAC 0.00007; 1000 Genomes Project 30x 0.00016; 1000 Genomes Project 0.00020.
gnomAD v4.1: 25 of 1,612,294 alleles (0.0016%); highest among the groups gnomAD compares: Admixed American, 0.01%; no homozygotes.

Submissions (2):

PreventionGenetics, part of Exact Sciences
Classification: Uncertain significance for TTN-related condition. Last evaluated: 2026-07-30. Review status: criteria provided, single submitter. Criteria: ACMG Guidelines, 2015. Collection method: clinical testing. Allele origin: germline.
Comment: The TTN c.81133T>C variant is predicted to result in the amino acid substitution p.Phe27045Leu. To our knowledge, this variant has not been reported in the literature. This variant is reported in 0.020% of alleles in individuals of Latino descent in gnomAD. At this time, the clinical significance of this variant is uncertain due to the absence of conclusive functional and genetic evidence.

CeGaT Center for Human Genetics Tuebingen
Classification: Uncertain significance. Last evaluated: 2024-05-01. Review status: criteria provided, single submitter. Criteria: CeGaT Center For Human Genetics Tuebingen Variant Classification Criteria Version 2. Collection method: clinical testing. Allele origin: germline. Affected: yes. Observed: 1 variant allele.

NM_001267550.2(TTN):c.81133T>C (p.Phe27045Leu)

Genes: TTN (titin; minus strand), TTN-AS1 (TTN antisense RNA 1; plus strand). Cytogenetic location: 2q31.2.
Variant type: single nucleotide variant.
Coding change: c.81133T>C on transcript NM_001267550.2 (MANE Select); coding-DNA position 81133, T replaced by C.
Protein change: p.Phe27045Leu; replaces phenylalanine 27045 with leucine.
Molecular consequence: missense variant.
Genome position (GRCh38, 1-based): chr2:178,564,999, A>G on the plus strand (T>C on the coding strand, the complement: TTN is on the minus strand). VCF-style: chr2-178564999-A-G. GRCh37 (hg19) VCF-style: chr2-179429726-A-G.
Other names: c.76210T>C, p.Phe25404Leu (NM_001256850.1); c.53938T>C, p.Phe17980Leu (NM_003319.4); c.73429T>C, p.Phe24477Leu (NM_133378.4); c.54313T>C, p.Phe18105Leu (NM_133432.3); c.54514T>C, p.Phe18172Leu (NM_133437.4); short protein forms F17980L, F18105L, F18172L, F24477L, F25404L, F27045L.
Identifiers: ClinVar variation 3239186 (VCV003239186.20), dbSNP rs190041566.